The following is an entry in ClinVar:

ClinVar aggregate classification (germline): Pathogenic (1 of 4 stars; one submission).

Conditions:
Nemaline myopathy 2 (NEM2). Also called: Nemaline myopathy 2, autosomal recessive. Identifiers: MedGen C1850569, MONDO:0009725, OMIM 256030.

Submission:

Labcorp Genetics (formerly Invitae), Labcorp
Classification: Pathogenic for Nemaline myopathy 2. Last evaluated: 2022-10-23. Review status: criteria provided, single submitter. Criteria: Invitae Variant Classification Sherloc (09022015). Collection method: clinical testing. Allele origin: germline.
Comment: This variant is a gross deletion of the genomic region encompassing exon(s) 55 of the NEB gene. This variant would be expected to be in-frame, preserving the integrity of the reading frame. A similar copy number variant has been observed in individuals with NEB-related conditions (PMID: 15221447, 19232495). It is commonly reported in individuals of Ashkenazi Jewish ancestry (PMID: 15221447, 19232495). Algorithms developed to predict the effect of variants on protein structure and function are not available or were not evaluated for this variant. Experimental studies have shown that a similar copy number variant affects NEB function (PMID: 23715096). For these reasons, this variant has been classified as Pathogenic.

Literature cited by the submitters: PubMed 15221447; PubMed 19232495; PubMed 23715096.

NC_000002.12:g.(?_151645758)_(151648259_?)del

Gene: NEB (nebulin; minus strand). Cytogenetic location: 2q23.3.
Variant type: Deletion.
Identifiers: ClinVar variation 652384 (VCV000652384.3).